The following is an entry in ClinVar:

ClinVar aggregate classification (germline): Uncertain significance (1 of 4 stars; one submission).

gnomAD v4.1: 4 of 1,569,676 alleles (0.00025%); highest among the groups gnomAD compares: East Asian, 0.007%; no homozygotes.

Submission:

Labcorp Genetics (formerly Invitae), Labcorp
Classification: Uncertain significance. Last evaluated: 2022-07-28. Review status: criteria provided, single submitter. Criteria: Invitae Variant Classification Sherloc (09022015). Collection method: clinical testing. Allele origin: germline.
Comment: This sequence change replaces arginine, which is basic and polar, with glycine, which is neutral and non-polar, at codon 2675 of the PCNT protein (p.Arg2675Gly). This variant is present in population databases (no rsID available, gnomAD 0.02%). This variant has not been reported in the literature in individuals affected with PCNT-related conditions. Algorithms developed to predict the effect of missense changes on protein structure and function are either unavailable or do not agree on the potential impact of this missense change (SIFT: "Tolerated"; PolyPhen-2: "Possibly Damaging"; Align-GVGD: "Class C0"). In summary, the available evidence is currently insufficient to determine the role of this variant in disease. Therefore, it has been classified as a Variant of Uncertain Significance.

NM_006031.6(PCNT):c.8023C>G (p.Arg2675Gly)

Gene: PCNT (pericentrin; plus strand). Cytogenetic location: 21q22.3.
Variant type: single nucleotide variant.
Coding change: c.8023C>G on transcript NM_006031.6 (MANE Select); coding-DNA position 8023, C replaced by G.
Protein change: p.Arg2675Gly; replaces arginine 2675 with glycine.
Molecular consequence: missense variant.
Genome position (GRCh38, 1-based): chr21:46,430,616, C>G. VCF-style: chr21-46430616-C-G. GRCh37 (hg19) VCF-style: chr21-47850530-C-G.
Other names: c.7669C>G, p.Arg2557Gly (NM_001315529.2); short protein forms R2557G, R2675G.
Identifiers: ClinVar variation 1714043 (VCV001714043.3), dbSNP rs771547665, ClinGen allele CA410572297.